The following is an entry in ClinVar:

ClinVar aggregate classification (germline): Pathogenic (1 of 4 stars; one submission).

Submission:

GeneDx
Classification: Pathogenic. Last evaluated: 2015-07-17. Review status: criteria provided, single submitter. Criteria: GeneDx Variant Classification (06012015). Collection method: clinical testing. Allele origin: germline. Affected: yes.
Comment: The c.495dupT duplication in the GATAD2B gene has not been reported previously as a pathogenic variant nor as a benign polymorphism, to our knowledge. The c.495dupT duplication causes a frameshiftstarting with codon Isoleucine 166, changes this amino acid to a Tyrosine residue, and creates a prematureStop codon at position 7 of the new reading frame, denoted p.Ile166TyrfsX7. This variant is predicted tocause loss of normal protein function either through protein truncation or nonsense-mediated mRNAdecay. The c.495dupT duplication was not observed in approximately 6500 individuals of European andAfrican American ancestry in the NHLBI Exome Sequencing Project, indicating it is not a common benignvariant in these populations. We interpret c.495dupT as a pathogenic variant.

NM_020699.4(GATAD2B):c.495dup (p.Ile166fs)

Gene: GATAD2B (GATA zinc finger domain containing 2B; minus strand). Cytogenetic location: 1q21.3.
Variant type: Duplication.
Coding change: c.495dup on transcript NM_020699.4 (MANE Select); coding-DNA position 495, one base duplicated (T; older notation c.495dupT).
Protein change: p.Ile166fs; shifts the reading frame from isoleucine 166.
Molecular consequence: frameshift variant.
Genome position (GRCh38, 1-based): chr1:153,818,893, A duplicated on the plus strand (T on the coding strand, the reverse complement: GATAD2B is on the minus strand); the first of 2 consecutive A bases (chr1:153,818,893-153,818,894); duplicating either gives the same sequence. VCF-style (leftmost placement, unchanged base first): chr1-153818892-T-TA. GRCh37 (hg19) VCF-style: chr1-153791368-T-TA.
Other names: short protein forms I166fs.
Identifiers: ClinVar variation 419264 (VCV000419264.2), dbSNP rs1064793756, ClinGen allele CA16616980.